The following is an entry in ClinVar:

ClinVar aggregate classification (germline): Pathogenic. Review status: reviewed by expert panel (3 of 4 stars). 3 submissions from 3 submitters: Pathogenic (1). 2 of the submissions do not count toward it. Last evaluated 2017-12-15.

Conditions:
Familial cancer of breast. Also called: hereditary breast carcinoma; BREAST CANCER, FAMILIAL; Hereditary breast cancer. Identifiers: Orphanet 227535, MedGen C0346153, MONDO:0016419, OMIM 114480. Disease mechanism: loss of function.
Breast-ovarian cancer, familial, susceptibility to, 1 (BROVCA1). Also called: BRCA1 Hereditary Breast and Ovarian Cancer; OVARIAN CANCER, SUSCEPTIBILITY TO. Identifiers: Orphanet 145, MedGen C2676676, MONDO:0011450, OMIM 604370. Disease mechanism: loss of function.
Breast carcinoma. Also called: Carcinoma of breast. Identifiers: MedGen C0678222, MONDO:0004989, HP:0003002.

Submissions (3):

Evidence-based Network for the Interpretation of Germline Mutant Alleles (ENIGMA)
Classification: Pathogenic for Breast-ovarian cancer, familial, susceptibility to, 1. Last evaluated: 2017-12-15. Review status: reviewed by expert panel. Criteria: ENIGMA BRCA1/2 Classification Criteria (2017-06-29). Collection method: curation. Allele origin: germline. Study: ENIGMA.
Comment: Variant allele predicted to encode a truncated non-functional protein.

Medical Genetics Laboratory, Umraniye Training and Research Hospital, University of Health Sciences
Classification: Pathogenic for Breast carcinoma. Last evaluated: 2021-09-11. Review status: no assertion criteria provided. Collection method: clinical testing. Allele origin: germline. Inheritance: Autosomal dominant inheritance. Affected: yes. Observed: 1 heterozygote. Not counted in ClinVar's aggregate classification.

ClinVar Staff, National Center for Biotechnology Information (NCBI)
No classification provided. Condition: Familial cancer of breast. Review status: no classification provided. Collection method: literature only. Allele origin: germline. Affected: yes. Not counted in ClinVar's aggregate classification.

Literature cited by the submitters: PubMed 11802209 (cited by ClinVar Staff, National Center for Biotechnology Information (NCBI)).

NM_007294.4(BRCA1):c.3626dup (p.Leu1209fs)

Genes: BRCA1 (BRCA1 DNA repair associated; minus strand), LOC126862571 (BRD4-independent group 4 enhancer GRCh37_chr17:41243136-41244335; plus strand). Cytogenetic location: 17q21.31.
Variant type: Duplication.
Coding change: c.3626dup on transcript NM_007294.4 (MANE Select); coding-DNA position 3626, one base duplicated (T; older notation c.3626dupT).
Protein change: p.Leu1209fs; shifts the reading frame from leucine 1209.
Molecular consequence: frameshift variant. On other transcripts: intron variant (135).
Genome position (GRCh38, 1-based): chr17:43,091,905, A duplicated on the plus strand (T on the coding strand, the reverse complement: BRCA1 is on the minus strand); the first of 2 consecutive A bases (chr17:43,091,905-43,091,906); duplicating either gives the same sequence. VCF-style (leftmost placement, unchanged base first): chr17-43091904-T-TA. GRCh37 (hg19) VCF-style: chr17-41243921-T-TA.
Other names: c.3413dup, p.Leu1138fs (NM_001407571.1, NM_001407915.1, NM_001407853.1 and 9 more transcripts); c.3626dup, p.Leu1209fs (NM_001407581.1, NM_001407582.1, NM_001407583.1 and 30 more transcripts); c.3623dup, p.Leu1208fs (NM_001407587.1, NM_001407590.1, NM_001407591.1 and 22 more transcripts); c.3548dup, p.Leu1183fs (NM_001407658.1, NM_001407663.1, NM_001407653.1 and 4 more transcripts); c.3545dup, p.Leu1182fs (NM_001407659.1, NM_001407660.1, NM_001407661.1 and 1 more transcripts); c.3503dup, p.Leu1168fs (NM_001407664.1, NM_001407665.1, NM_001407676.1 and 19 more transcripts); c.3485dup, p.Leu1162fs (NM_001407695.1, NM_001407696.1, NM_001407697.1 and 29 more transcripts); c.3482dup, p.Leu1161fs (NM_001407740.1, NM_001407741.1, NM_001407742.1 and 20 more transcripts); and 42 more; short protein forms L1162fs, L1209fs, L1098fs, L1121fs, L1138fs, L1161fs, L1208fs, L1139fs.
Identifiers: ClinVar variation 54944 (VCV000054944.5), dbSNP rs80357571, ClinGen allele CA327883.